The following is an entry in ClinVar:

NM_001110556.2(FLNA):c.100G>A (p.Asp34Asn)

Gene: FLNA (filamin A; minus strand). Cytogenetic location: Xq28.
Variant type: single nucleotide variant.
Coding change: c.100G>A on transcript NM_001110556.2 (MANE Select); coding-DNA position 100, G replaced by A.
Protein change: p.Asp34Asn; replaces aspartic acid 34 with asparagine.
Molecular consequence: missense variant.
Genome position (GRCh38, 1-based): chrX:154,371,146, C>T on the plus strand (G>A on the coding strand, the complement: FLNA is on the minus strand). VCF-style: chrX-154371146-C-T. GRCh37 (hg19) VCF-style: chrX-153599514-C-T.
Other names: c.100G>A, p.Asp34Asn (NM_001456.4); short protein forms D34N.
Identifiers: ClinVar variation 3778764 (VCV003778764.1).

ClinVar aggregate classification (germline): Uncertain significance (1 of 4 stars; one submission).

Conditions:
FLNA-related disorder.

Submission:

Daryl Scott Lab, Baylor College of Medicine
Classification: Uncertain significance for FLNA-related disorder. Last evaluated: 2024-04-01. Review status: criteria provided, single submitter. Criteria: ACMG Guidelines, 2015. Collection method: clinical testing. Allele origin: maternal. Observed: 1 hemizygote.
Comment: PM2, PP3